The following is an entry in ClinVar:

ClinVar aggregate classification (germline): Uncertain significance. Review status: criteria provided, multiple submitters, no conflicts (2 of 4 stars). 2 submissions from 2 submitters: Uncertain significance (2). Last evaluated 2023-07-25.

Conditions:
Inborn genetic diseases. Identifiers: MedGen C0950123, MeSH D030342.

Allele frequency attached by ClinVar (database versions not stated): ExAC 0.00001; gnomAD 0.00001; ESP Exome Variant Server 0.00008.
gnomAD v4.1: 5 of 1,609,396 alleles (0.00031%); highest among the groups gnomAD compares: Non-Finnish European, 0.00043%; no homozygotes.

Submissions (2):

Ambry Genetics
Classification: Uncertain significance for Inborn genetic diseases. Last evaluated: 2023-07-25. Review status: criteria provided, single submitter. Criteria: Ambry Variant Classification Scheme 2023. Collection method: clinical testing. Allele origin: germline.

Labcorp Genetics (formerly Invitae), Labcorp
Classification: Uncertain significance. Last evaluated: 2022-07-10. Review status: criteria provided, single submitter. Criteria: Invitae Variant Classification Sherloc (09022015). Collection method: clinical testing. Allele origin: germline.
Comment: This sequence change replaces asparagine, which is neutral and polar, with serine, which is neutral and polar, at codon 280 of the MBTPS1 protein (p.Asn280Ser). This variant is present in population databases (rs373049888, gnomAD 0.002%). This variant has not been reported in the literature in individuals affected with MBTPS1-related conditions. Algorithms developed to predict the effect of missense changes on protein structure and function (SIFT, PolyPhen-2, Align-GVGD) all suggest that this variant is likely to be disruptive. In summary, the available evidence is currently insufficient to determine the role of this variant in disease. Therefore, it has been classified as a Variant of Uncertain Significance.

NM_003791.4(MBTPS1):c.839A>G (p.Asn280Ser)

Gene: MBTPS1 (membrane bound transcription factor peptidase, site 1; minus strand). Cytogenetic location: 16q23.3.
Variant type: single nucleotide variant.
Coding change: c.839A>G on transcript NM_003791.4 (MANE Select); coding-DNA position 839, A replaced by G.
Protein change: p.Asn280Ser; replaces asparagine 280 with serine.
Molecular consequence: missense variant.
Genome position (GRCh38, 1-based): chr16:84,093,195, T>C on the plus strand (A>G on the coding strand, the complement: MBTPS1 is on the minus strand). VCF-style: chr16-84093195-T-C. GRCh37 (hg19) VCF-style: chr16-84126800-T-C.
Other names: c.839A>G (NM_003791.2); short protein forms N280S.
Identifiers: ClinVar variation 2420237 (VCV002420237.5), dbSNP rs373049888, ClinGen allele CA8201615.